The following is an entry in ClinVar:

NM_000094.4(COL7A1):c.163C>T (p.Arg55Cys)

Gene: COL7A1 (collagen type VII alpha 1 chain; minus strand). Cytogenetic location: 3p21.31.
Variant type: single nucleotide variant.
Coding change: c.163C>T on transcript NM_000094.4 (MANE Select); coding-DNA position 163, C replaced by T.
Protein change: p.Arg55Cys; replaces arginine 55 with cysteine.
Molecular consequence: missense variant.
Genome position (GRCh38, 1-based): chr3:48,594,471, G>A on the plus strand (C>T on the coding strand, the complement: COL7A1 is on the minus strand). VCF-style: chr3-48594471-G-A. GRCh37 (hg19) VCF-style: chr3-48631904-G-A.
Other names: short protein forms R55C.
Identifiers: ClinVar variation 1895538 (VCV001895538.2), dbSNP rs746208298, ClinGen allele CA2381631.

ClinVar aggregate classification (germline): Uncertain significance (1 of 4 stars; one submission).

Allele frequency attached by ClinVar (database versions not stated): gnomAD exomes 0.00001; TOPMed 0.00001; ExAC 0.00002.

Submission:

Labcorp Genetics (formerly Invitae), Labcorp
Classification: Uncertain significance. Last evaluated: 2022-03-09. Review status: criteria provided, single submitter. Criteria: Invitae Variant Classification Sherloc (09022015). Collection method: clinical testing. Allele origin: germline.
Comment: This sequence change replaces arginine, which is basic and polar, with cysteine, which is neutral and slightly polar, at codon 55 of the COL7A1 protein (p.Arg55Cys). This variant is present in population databases (rs746208298, gnomAD 0.003%). This variant has not been reported in the literature in individuals affected with COL7A1-related conditions. Advanced modeling of protein sequence and biophysical properties (such as structural, functional, and spatial information, amino acid conservation, physicochemical variation, residue mobility, and thermodynamic stability) performed at Invitae indicates that this missense variant is expected to disrupt COL7A1 protein function. In summary, the available evidence is currently insufficient to determine the role of this variant in disease. Therefore, it has been classified as a Variant of Uncertain Significance.